The following is an entry in ClinVar:

NM_001375808.2(LPIN2):c.1710+3A>G

Gene: LPIN2 (lipin 2; minus strand). Cytogenetic location: 18p11.31.
Variant type: single nucleotide variant.
Coding change: c.1710+3A>G on transcript NM_001375808.2 (MANE Select); 3 bases into the intron after coding-DNA position 1710, A replaced by G.
Molecular consequence: intron variant.
Genome position (GRCh38, 1-based): chr18:2,927,719, T>C on the plus strand (A>G on the coding strand, the complement: LPIN2 is on the minus strand). VCF-style: chr18-2927719-T-C. GRCh37 (hg19) VCF-style: chr18-2927717-T-C.
Other names: c.1710+3A>G (NM_014646.2, NM_001375809.1).
Identifiers: ClinVar variation 1508802 (VCV001508802.6), dbSNP rs1007627972, ClinGen allele CA295496090.
Genomic context (GRCh38, chr18:2,927,719, plus strand): 5'-TTTGAATAAATGAAAGATTCATTTCTTTCAGCCCACGGAAACAATGACCTCTAGGTCTGT[T>C]ACCTGTTTGGTCATGCTTTCTCTCTTTCGCCAAAACCACCAGCGACCAGATTTCTTTGGC-3'

ClinVar aggregate classification (germline): Uncertain significance (1 of 4 stars; one submission).

Conditions:
Majeed syndrome (MJDS). Also called: CHRONIC RECURRENT MULTIFOCAL OSTEOMYELITIS 1, WITH CONGENITAL DYSERYTHROPOIETIC ANEMIA, WITH OR WITHOUT NEUTROPHILIC DERMATOSIS; LPIN2-Related Majeed Syndrome. Identifiers: Orphanet 77297, MedGen C1864997, MONDO:0012316, OMIM 609628.

Allele frequency attached by ClinVar (database versions not stated): gnomAD exomes below 0.00001; gnomAD 0.00001; TOPMed 0.00002.
gnomAD v4.1: 6 of 1,613,920 alleles (0.00037%); highest among the groups gnomAD compares: Non-Finnish European, 0.00042%; no homozygotes.

Submission:

Labcorp Genetics (formerly Invitae), Labcorp
Classification: Uncertain significance for Majeed syndrome. Last evaluated: 2021-02-22. Review status: criteria provided, single submitter. Criteria: Invitae Variant Classification Sherloc (09022015). Collection method: clinical testing. Allele origin: germline.
Comment: Nucleotide substitutions within the consensus splice site are a relatively common cause of aberrant splicing (PMID: 17576681, 9536098). Algorithms developed to predict the effect of sequence changes on RNA splicing suggest that this variant may disrupt the consensus splice site, but this prediction has not been confirmed by published transcriptional studies. This variant has not been reported in the literature in individuals with LPIN2-related conditions. This variant is not present in population databases (ExAC no frequency). This sequence change falls in intron 12 of the LPIN2 gene. It does not directly change the encoded amino acid sequence of the LPIN2 protein. It affects a nucleotide within the consensus splice site of the intron. In summary, the available evidence is currently insufficient to determine the role of this variant in disease. Therefore, it has been classified as a Variant of Uncertain Significance.

Literature cited by the submitters: PubMed 17576681; PubMed 9536098.